The following is an entry in ClinVar:

NC_000008.11:g.85662148G>A

Variant type: single nucleotide variant.
Genome position: GRCh38 VCF-style: chr8-85662148-G-A. GRCh37 (hg19) VCF-style: chr8-86574377-G-A.
Identifiers: ClinVar variation 2658676 (VCV002658676.23), dbSNP rs2536600004, ClinGen allele CA461942308.

ClinVar aggregate classification (germline): Likely benign (1 of 4 stars; one submission).

Submission:

CeGaT Center for Human Genetics Tuebingen
Classification: Likely benign. Last evaluated: 2023-03-01. Review status: criteria provided, single submitter. Criteria: CeGaT Center For Human Genetics Tuebingen Variant Classification Criteria Version 2. Collection method: clinical testing. Allele origin: germline. Affected: yes. Observed: 1 variant allele.
Comment: REXO1L1P: PM2:Supporting, BP4, BP7